The following is an entry in ClinVar:

NM_001365951.3(KIF1B):c.2924+5G>A

Genes: KIF1B (kinesin family member 1B; plus strand), LOC126805614 (BRD4-independent group 4 enhancer GRCh37_chr1:10385546-10386745; plus strand). Cytogenetic location: 1p36.22.
Variant type: single nucleotide variant.
Coding change: c.2924+5G>A on transcript NM_001365951.3 (MANE Select); 5 bases into the intron after coding-DNA position 2924, G replaced by A.
Molecular consequence: intron variant.
Genome position (GRCh38, 1-based): chr1:10,326,364, G>A. VCF-style: chr1-10326364-G-A. GRCh37 (hg19) VCF-style: chr1-10386422-G-A.
Other names: c.2786+5G>A (NM_015074.3); c.2924+5G>A (NM_001365952.1).
Identifiers: ClinVar variation 2154184 (VCV002154184.5), dbSNP rs750278986, ClinGen allele CA521452634.
Genomic context (GRCh38, chr1:10,326,364, plus strand): 5'-AGTGACGGGCATGACCCGTTTTACGACCGATCCCCTTGGTTCATTTTAGTGGGAAGGTTG[G>A]TGAGGTTATTGTGAGAAAGGCGAAAAGGGACCAGCTCTTGCTCTGAAGGCCTCCCTGCTT-3'

ClinVar aggregate classification (germline): Uncertain significance. Review status: criteria provided, multiple submitters, no conflicts (2 of 4 stars). 2 submissions from 2 submitters: Uncertain significance (2). Last evaluated 2024-06-03.

Conditions:
Charcot-Marie-Tooth disease type 2. Also called: Charcot-Marie-Tooth type 2. Identifiers: Orphanet 64746, MedGen C0270914, MONDO:0018993.

gnomAD v4.1: 2 of 1,614,160 alleles (0.00012%); highest among the groups gnomAD compares: Admixed American, 0.0033%; no homozygotes.

Submissions (2):

Ambry Genetics
Classification: Uncertain significance. Last evaluated: 2024-06-03. Review status: criteria provided, single submitter. Criteria: Ambry Variant Classification Scheme 2023. Collection method: clinical testing. Allele origin: germline.
Comment: The c.2786+5G>A intronic variant results from a G to A substitution 5 nucleotides after coding exon 24 in the KIF1B gene. This nucleotide position is highly conserved in available vertebrate species. In silico splice site analysis predicts that this alteration will weaken the native splice donor site. The evidence for this gene-disease relationship is limited; therefore, the clinical significance of this alteration is unclear.

Labcorp Genetics (formerly Invitae), Labcorp
Classification: Uncertain significance for Charcot-Marie-Tooth disease type 2. Last evaluated: 2022-09-20. Review status: criteria provided, single submitter. Criteria: Invitae Variant Classification Sherloc (09022015). Collection method: clinical testing. Allele origin: germline.
Comment: This sequence change falls in intron 25 of the KIF1B gene. It does not directly change the encoded amino acid sequence of the KIF1B protein. It affects a nucleotide within the consensus splice site. In summary, the available evidence is currently insufficient to determine the role of this variant in disease. Therefore, it has been classified as a Variant of Uncertain Significance. Variants that disrupt the consensus splice site are a relatively common cause of aberrant splicing (PMID: 17576681, 9536098). Algorithms developed to predict the effect of sequence changes on RNA splicing suggest that this variant may disrupt the consensus splice site. This variant has not been reported in the literature in individuals affected with KIF1B-related conditions. This variant is present in population databases (no rsID available, gnomAD 0.006%).

Literature cited by the submitters: PubMed 17576681 (cited by Labcorp Genetics (formerly Invitae), Labcorp); PubMed 9536098 (cited by Labcorp Genetics (formerly Invitae), Labcorp).